The following is an entry in ClinVar:

NM_001134407.3(GRIN2A):c.1520T>C (p.Met507Thr)

Gene: GRIN2A (glutamate ionotropic receptor NMDA type subunit 2A; minus strand). Cytogenetic location: 16p13.2.
Variant type: single nucleotide variant.
Coding change: c.1520T>C on transcript NM_001134407.3 (MANE Select); coding-DNA position 1520, T replaced by C.
Protein change: p.Met507Thr; replaces methionine 507 with threonine.
Molecular consequence: missense variant.
Genome position (GRCh38, 1-based): chr16:9,840,778, A>G on the plus strand (T>C on the coding strand, the complement: GRIN2A is on the minus strand). VCF-style: chr16-9840778-A-G. GRCh37 (hg19) VCF-style: chr16-9934635-A-G.
Other names: c.1520T>C, p.Met507Thr (NM_000833.5, NM_001134408.2); short protein forms M507T.
Identifiers: ClinVar variation 2121368 (VCV002121368.4), dbSNP rs2042660185, ClinGen allele CA394800455.

ClinVar aggregate classification (germline): Uncertain significance (1 of 4 stars; one submission).

Conditions:
Landau-Kleffner syndrome (FESD). Also called: EPILEPSY, FOCAL, WITH SPEECH DISORDER AND WITH OR WITHOUT MENTAL RETARDATION; APHASIA, ACQUIRED, WITH EPILEPSY. Identifiers: Orphanet 1945, Orphanet 725, Orphanet 98818, MedGen C0282512, MONDO:0009509, OMIM 245570.

Allele frequency attached by ClinVar (database versions not stated): gnomAD exomes below 0.00001; gnomAD 0.00001.
gnomAD v4.1: 2 of 1,589,860 alleles (0.00013%); highest among the groups gnomAD compares: African/African-American, 0.0014%; no homozygotes.

Submission:

Labcorp Genetics (formerly Invitae), Labcorp
Classification: Uncertain significance for Landau-Kleffner syndrome. Last evaluated: 2022-05-15. Review status: criteria provided, single submitter. Criteria: Invitae Variant Classification Sherloc (09022015). Collection method: clinical testing. Allele origin: germline.
Comment: In summary, the available evidence is currently insufficient to determine the role of this variant in disease. Therefore, it has been classified as a Variant of Uncertain Significance. Advanced modeling of protein sequence and biophysical properties (such as structural, functional, and spatial information, amino acid conservation, physicochemical variation, residue mobility, and thermodynamic stability) performed at Invitae indicates that this missense variant is expected to disrupt GRIN2A protein function. This variant has not been reported in the literature in individuals affected with GRIN2A-related conditions. This variant is not present in population databases (gnomAD no frequency). This sequence change replaces methionine, which is neutral and non-polar, with threonine, which is neutral and polar, at codon 507 of the GRIN2A protein (p.Met507Thr).